The following is an entry in ClinVar:

NM_005915.6(MCM6):c.2045G>T (p.Gly682Val)

Gene: MCM6 (minichromosome maintenance complex component 6; minus strand). Cytogenetic location: 2q21.3.
Variant type: single nucleotide variant.
Coding change: c.2045G>T on transcript NM_005915.6 (MANE Select); coding-DNA position 2045, G replaced by T.
Protein change: p.Gly682Val; replaces glycine 682 with valine.
Molecular consequence: missense variant.
Genome position (GRCh38, 1-based): chr2:135,848,061, C>A on the plus strand (G>T on the coding strand, the complement: MCM6 is on the minus strand). VCF-style: chr2-135848061-C-A. GRCh37 (hg19) VCF-style: chr2-136605631-C-A.
Other names: short protein forms G682V.
Identifiers: ClinVar variation 4720698 (VCV004720698.1).
Genomic context (GRCh38, chr2:135,848,061, plus strand): 5'-GAAAATGTTTTGGTCCCTAACTCCAAAACAGTCACATGAACAAGTATCTCACCATTGATG[C>A]CACCAGCACCCTCATCTACCTCCATCTGGATCTCTTCCTCTTGATCTAGATTGACATCAG-3'
Protein context (NP_005906.2, residues 672-692): IQMEVDEGAG[Gly682Val]INGHADSPAP

ClinVar aggregate classification (germline): Uncertain significance (1 of 4 stars; one submission).

Submission:

Labcorp Genetics (formerly Invitae), Labcorp
Classification: Uncertain significance. Last evaluated: 2025-07-21. Review status: criteria provided, single submitter. Criteria: Invitae Variant Classification Sherloc (09022015). Collection method: clinical testing. Allele origin: germline.
Comment: This sequence change replaces glycine, which is neutral and non-polar, with valine, which is neutral and non-polar, at codon 682 of the MCM6 protein (p.Gly682Val). This variant is not present in population databases (gnomAD no frequency). This variant has not been reported in the literature in individuals affected with MCM6-related conditions. An algorithm developed to predict the effect of missense changes on protein structure and function (PolyPhen-2) suggests that this variant is likely to be tolerated. In summary, the available evidence is currently insufficient to determine the role of this variant in disease. Therefore, it has been classified as a Variant of Uncertain Significance.